The following is an entry in ClinVar:

ClinVar aggregate classification (germline): Uncertain significance (1 of 4 stars; one submission).

Conditions:
Dextro-looped transposition of the great arteries. Also called: Dextrotransposition of the great arteries. Identifiers: Orphanet 860, MedGen C3531771, MONDO:0019443, OMIM 608808, HP:0031348.

Allele frequency attached by ClinVar (database versions not stated): gnomAD exomes below 0.00001.
gnomAD v4.1: 4 of 1,614,146 alleles (0.00025%); highest among the groups gnomAD compares: African/African-American, 0.004%; no homozygotes.

Submission:

Labcorp Genetics (formerly Invitae), Labcorp
Classification: Uncertain significance for Dextro-looped transposition of the great arteries. Last evaluated: 2023-03-03. Review status: criteria provided, single submitter. Criteria: Invitae Variant Classification Sherloc (09022015). Collection method: clinical testing. Allele origin: germline.
Comment: In summary, the available evidence is currently insufficient to determine the role of this variant in disease. Therefore, it has been classified as a Variant of Uncertain Significance. This variant is not present in population databases (gnomAD no frequency). Advanced modeling of protein sequence and biophysical properties (such as structural, functional, and spatial information, amino acid conservation, physicochemical variation, residue mobility, and thermodynamic stability) performed at Invitae indicates that this missense variant is not expected to disrupt MED13L protein function. ClinVar contains an entry for this variant (Variation ID: 2094577). This variant has not been reported in the literature in individuals affected with MED13L-related conditions. This sequence change replaces asparagine, which is neutral and polar, with serine, which is neutral and polar, at codon 1629 of the MED13L protein (p.Asn1629Ser).

NM_015335.5(MED13L):c.4886A>G (p.Asn1629Ser)

Gene: MED13L (mediator complex subunit 13L; minus strand). Cytogenetic location: 12q24.21.
Variant type: single nucleotide variant.
Coding change: c.4886A>G on transcript NM_015335.5 (MANE Select); coding-DNA position 4886, A replaced by G.
Protein change: p.Asn1629Ser; replaces asparagine 1629 with serine.
Molecular consequence: missense variant.
Genome position (GRCh38, 1-based): chr12:115,983,186, T>C on the plus strand (A>G on the coding strand, the complement: MED13L is on the minus strand). VCF-style: chr12-115983186-T-C. GRCh37 (hg19) VCF-style: chr12-116420991-T-C.
Other names: short protein forms N1629S.
Identifiers: ClinVar variation 2094577 (VCV002094577.4), dbSNP rs2499826213, ClinGen allele CA386882565.